The following is an entry in ClinVar:

ClinVar aggregate classification (germline): Pathogenic/Likely pathogenic. Review status: criteria provided, multiple submitters, no conflicts (2 of 4 stars). 3 submissions from 3 submitters: Pathogenic (1); Likely pathogenic (2). Last evaluated 2025-09-21.

Conditions:
Familial X-linked hypophosphatemic vitamin D refractory rickets (XLHRD). Also called: Hypophosphatemic Rickets, X-Linked Dominant; Hypophosphatemia, vitamin D-resistant rickets; Vitamin D-resistant rickets, X-linked; X-Linked Hypophosphatemia; HYPOPHOSPHATEMIC VITAMIN D-RESISTANT RICKETS. Identifiers: Orphanet 89936, MedGen C0733682, MONDO:0010619, OMIM 307800.

Allele frequency attached by ClinVar (database versions not stated): TOPMed below 0.00001.

Submissions (3):

Labcorp Genetics (formerly Invitae), Labcorp
Classification: Pathogenic. Last evaluated: 2025-09-21. Review status: criteria provided, single submitter. Criteria: Invitae Variant Classification Sherloc (09022015). Collection method: clinical testing. Allele origin: germline.
Comment: This sequence change replaces glycine, which is neutral and non-polar, with serine, which is neutral and polar, at codon 572 of the PHEX protein (p.Gly572Ser). This variant is not present in population databases (gnomAD no frequency). This missense change has been observed in individual(s) with hypophosphatemic rickets (internal data). In at least one individual the variant was observed to be de novo. ClinVar contains an entry for this variant (Variation ID: 421390). Invitae Evidence Modeling of protein sequence and biophysical properties (such as structural, functional, and spatial information, amino acid conservation, physicochemical variation, residue mobility, and thermodynamic stability) indicates that this missense variant is expected to disrupt PHEX protein function with a positive predictive value of 95%. Algorithms developed to predict the effect of sequence changes on RNA splicing suggest that this variant may disrupt the consensus splice site. This variant disrupts the p.Gly572 amino acid residue in PHEX. Other variant(s) that disrupt this residue have been determined to be pathogenic (PMID: 11502829, 16055933; internal data). This suggests that this residue is clinically significant, and that variants that disrupt this residue are likely to be disease-causing. For these reasons, this variant has been classified as Pathogenic.

Fulgent Genetics
Classification: Likely pathogenic for Familial X-linked hypophosphatemic vitamin D refractory rickets. Last evaluated: 2024-04-12. Review status: criteria provided, single submitter. Criteria: ACMG Guidelines, 2015. Collection method: clinical testing. Allele origin: germline.

GeneDx
Classification: Likely pathogenic. Last evaluated: 2017-02-10. Review status: criteria provided, single submitter. Criteria: GeneDx Variant Classification (06012015). Collection method: clinical testing. Allele origin: germline. Affected: yes.
Comment: The G572S variant in the PHEX gene has not been published as a pathogenic variant, nor has it been reported as a benign variant to our knowledge. The variant is not observed in large population cohorts (Lek et al., 2016; 1000 Genomes Consortium et al., 2015; Exome Variant Server). G572S is a non-conservative amino acid substitution, which is likely to impact secondary protein structure as these residues differ in polarity, charge, size and/or other properties. This substitution occurs at a position that is conserved across species, and in silico analysis predicts this variant is probably damaging to the protein structure/function. A missense variant in the same codon (G572D) has been reported in the Human Gene Mutation Database in association with X-linked hypophosphatemic rickets (Stenson et al., 2014). In addition, other missense variants in the same codon (G572R/V) have been observed at GeneDx, supporting the functional importance of this region of the protein. Therefore, this variant is likely pathogenic; however, the possibility that it is benign cannot be excluded.

Literature cited by the submitters: PubMed 11502829 (cited by Labcorp Genetics (formerly Invitae), Labcorp); PubMed 16055933 (cited by Labcorp Genetics (formerly Invitae), Labcorp).

NM_000444.6(PHEX):c.1714G>A (p.Gly572Ser)

Genes: PHEX (phosphate regulating endopeptidase X-linked; plus strand), PTCHD1-AS (PTCHD1 and PHEX antisense RNA; minus strand). Cytogenetic location: Xp22.11.
Variant type: single nucleotide variant.
Coding change: c.1714G>A on transcript NM_000444.6 (MANE Select); coding-DNA position 1714, G replaced by A.
Protein change: p.Gly572Ser; replaces glycine 572 with serine.
Molecular consequence: missense variant.
Genome position (GRCh38, 1-based): chrX:22,219,049, G>A. VCF-style: chrX-22219049-G-A. GRCh37 (hg19) VCF-style: chrX-22237166-G-A.
Other names: c.1714G>A, p.Gly572Ser (NM_001282754.2); short protein forms G572S.
Identifiers: ClinVar variation 421390 (VCV000421390.12), dbSNP rs1064795106, ClinGen allele CA16621331.